The following is an entry in ClinVar:

ClinVar aggregate classification (germline): Uncertain significance (1 of 4 stars; one submission).

Conditions:
Idiopathic Pulmonary Fibrosis. Also called: Idiopathic fibrosing alveolitis, chronic form; idiopathic fibrosing alveolitis. Identifiers: Orphanet 2032, MedGen C1800706, MeSH D054990, MONDO:0800504.
Dyskeratosis congenita, autosomal dominant 2. Identifiers: MedGen C3151443, MONDO:0013521, OMIM 613989.

Allele frequency attached by ClinVar (database versions not stated): gnomAD exomes below 0.00001; ExAC 0.00001; gnomAD 0.00001.
gnomAD v4.1: 1 of 1,613,836 alleles (0.000062%); highest among the groups gnomAD compares: East Asian, 0.0022%; no homozygotes.

Submission:

Labcorp Genetics (formerly Invitae), Labcorp
Classification: Uncertain significance for Dyskeratosis congenita, autosomal dominant 2; Idiopathic Pulmonary Fibrosis. Last evaluated: 2021-08-27. Review status: criteria provided, single submitter. Criteria: Invitae Variant Classification Sherloc (09022015). Collection method: clinical testing. Allele origin: germline.
Comment: This sequence change replaces serine with arginine at codon 948 of the TERT protein (p.Ser948Arg). The serine residue is moderately conserved and there is a moderate physicochemical difference between serine and arginine. This variant is present in population databases (rs34062885, ExAC 0.01%). This variant has not been reported in the literature in individuals affected with TERT-related conditions. Algorithms developed to predict the effect of missense changes on protein structure and function (SIFT, PolyPhen-2, Align-GVGD) all suggest that this variant is likely to be tolerated. Experimental studies have shown that this missense change does not substantially affect TERT function (PMID: 23901009). Algorithms developed to predict the effect of sequence changes on RNA splicing suggest that this variant may create or strengthen a splice site. In summary, the available evidence is currently insufficient to determine the role of this variant in disease. Therefore, it has been classified as a Variant of Uncertain Significance.

Literature cited by the submitters: PubMed 23901009.

NM_198253.3(TERT):c.2844C>G (p.Ser948Arg)

Gene: TERT (telomerase reverse transcriptase; minus strand). Cytogenetic location: 5p15.33.
Variant type: single nucleotide variant.
Coding change: c.2844C>G on transcript NM_198253.3 (MANE Select); coding-DNA position 2844, C replaced by G.
Protein change: p.Ser948Arg; replaces serine 948 with arginine.
Molecular consequence: missense variant. On other transcripts: non-coding transcript variant (2).
Genome position (GRCh38, 1-based): chr5:1,260,600, G>C on the plus strand (C>G on the coding strand, the complement: TERT is on the minus strand). VCF-style: chr5-1260600-G-C. GRCh37 (hg19) VCF-style: chr5-1260715-G-C.
Other names: c.2655C>G, p.Ser885Arg (NM_001193376.3); short protein forms S885R, S948R.
Identifiers: ClinVar variation 1008724 (VCV001008724.6), dbSNP rs34062885, ClinGen allele CA3184357.
Genomic context (GRCh38, chr5:1,260,600, plus strand): 5'-CCTCCCAGCCTTGAAGCCGCGGTTGAAGGTGAGACTGGCTCTGATGGAGGTCCGGGCATA[G>C]CTGAGACACAGGGGGGAATGTCAGACACAGGTGCCTGCCCCACACCCAGCCCCCTCCTGC-3'
Protein context (NP_937983.2, residues 938-958): RTLEVQSDYS[Ser948Arg]YARTSIRASL